The following is an entry in ClinVar:

ClinVar aggregate classification (germline): Uncertain significance (1 of 4 stars; one submission).

Allele frequency attached by ClinVar (database versions not stated): gnomAD 0.00003.
gnomAD v4.1: 37 of 1,610,930 alleles (0.0023%); highest among the groups gnomAD compares: African/African-American, 0.011%; 1 homozygote.

Submission:

Labcorp Genetics (formerly Invitae), Labcorp
Classification: Uncertain significance. Last evaluated: 2022-08-23. Review status: criteria provided, single submitter. Criteria: Invitae Variant Classification Sherloc (09022015). Collection method: clinical testing. Allele origin: germline.
Comment: In summary, the available evidence is currently insufficient to determine the role of this variant in disease. Therefore, it has been classified as a Variant of Uncertain Significance. Algorithms developed to predict the effect of missense changes on protein structure and function are either unavailable or do not agree on the potential impact of this missense change (SIFT: "Tolerated"; PolyPhen-2: "Possibly Damaging"; Align-GVGD: "Class C0"). This variant has not been reported in the literature in individuals affected with AASS-related conditions. This variant is present in population databases (rs771862141, gnomAD 0.007%). This sequence change replaces alanine, which is neutral and non-polar, with threonine, which is neutral and polar, at codon 431 of the AASS protein (p.Ala431Thr).

NM_005763.4(AASS):c.1291G>A (p.Ala431Thr)

Gene: AASS (aminoadipate-semialdehyde synthase; minus strand). Cytogenetic location: 7q31.32.
Variant type: single nucleotide variant.
Coding change: c.1291G>A on transcript NM_005763.4 (MANE Select); coding-DNA position 1291, G replaced by A.
Protein change: p.Ala431Thr; replaces alanine 431 with threonine.
Molecular consequence: missense variant.
Genome position (GRCh38, 1-based): chr7:122,101,668, C>T on the plus strand (G>A on the coding strand, the complement: AASS is on the minus strand). VCF-style: chr7-122101668-C-T. GRCh37 (hg19) VCF-style: chr7-121741722-C-T.
Other names: short protein forms A431T.
Identifiers: ClinVar variation 2074646 (VCV002074646.4), dbSNP rs771862141, ClinGen allele CA4458405.